The following is an entry in ClinVar:

ClinVar aggregate classification (germline): Likely pathogenic (1 of 4 stars; one submission).

Conditions:
Dilated cardiomyopathy 1G (CMD1G). Identifiers: Orphanet 154, MedGen C1858763, MONDO:0011400, OMIM 604145.
Autosomal recessive limb-girdle muscular dystrophy type 2J (LGMDR10). Also called: Limb-girdle muscular dystrophy, type 2J; MUSCULAR DYSTROPHY, LIMB-GIRDLE, AUTOSOMAL RECESSIVE 10. Identifiers: Orphanet 140922, MedGen C1837342, MONDO:0012127, OMIM 608807.

Submission:

Labcorp Genetics (formerly Invitae), Labcorp
Classification: Likely pathogenic for Dilated cardiomyopathy 1G; Autosomal recessive limb-girdle muscular dystrophy type 2J. Last evaluated: 2023-05-19. Review status: criteria provided, single submitter. Criteria: Invitae Variant Classification Sherloc (09022015). Collection method: clinical testing. Allele origin: germline.
Comment: This sequence change creates a premature translational stop signal (p.Phe32342*) in the TTN gene. While this is not anticipated to result in nonsense mediated decay, it is expected to create a truncated TTN protein. This variant is not present in population databases (gnomAD no frequency). This variant has not been reported in the literature in individuals affected with TTN-related conditions. This variant is located in the A band of TTN (PMID: 25589632). Truncating variants in this region are significantly overrepresented in patients affected with dilated cardiomyopathy (PMID: 25589632). Truncating variants in this region have also been reported in individuals affected with autosomal recessive centronuclear myopathy (PMID: 23975875). In summary, the currently available evidence indicates that the variant is pathogenic, but additional data are needed to prove that conclusively. Therefore, this variant has been classified as Likely Pathogenic.

Literature cited by the submitters: PubMed 25589632; PubMed 23975875.

NM_001267550.2(TTN):c.97025_97035del (p.Phe32341_Phe32342insTer)

Genes: TTN-AS1 (TTN antisense RNA 1; plus strand), TTN (titin; minus strand). Cytogenetic location: 2q31.2.
Variant type: Deletion.
Coding change: c.97025_97035del on transcript NM_001267550.2 (MANE Select); coding-DNA positions 97025 to 97035, 11 bases deleted (TTGCTGGTTCT).
Protein change: p.Phe32341_Phe32342insTer.
Molecular consequence: nonsense.
Genome position (GRCh38, 1-based): chr2:178,542,819-178,542,829, AGAACCAGCAA deleted on the plus strand (TTGCTGGTTCT on the coding strand, the reverse complement: TTN is on the minus strand); deleting any 11 consecutive bases within chr2:178,542,819-178,542,837 gives the same sequence; the c. name uses the placement nearest the transcript's 3' end. VCF-style (leftmost placement, unchanged base first): chr2-178542818-TAGAACCAGCAA-T. GRCh37 (hg19) VCF-style: chr2-179407545-TAGAACCAGCAA-T.
Other names: c.92102_92112del, p.Phe30700_Phe30701insTer (NM_001256850.1); c.69830_69840del, p.Phe23276_Phe23277insTer (NM_003319.4); c.89321_89331del, p.Phe29773_Phe29774insTer (NM_133378.4); c.70205_70215del, p.Phe23401_Phe23402insTer (NM_133432.3); c.70406_70416del, p.Phe23468_Phe23469insTer (NM_133437.4).
Identifiers: ClinVar variation 2947911 (VCV002947911.3), dbSNP rs2468904909, ClinGen allele CA2740095966.